The following is an entry in ClinVar:

ClinVar aggregate classification (germline): Benign. Review status: criteria provided, single submitter (1 of 4 stars). 2 submissions from 1 submitter: Benign (2). Last evaluated 2018-01-13.

Conditions:
Short-rib thoracic dysplasia 7 with or without polydactyly (SRTD7). Also called: Short rib polydactyly syndrome 5; SHORT-RIB THORACIC DYSPLASIA 7 WITH POLYDACTYLY. Identifiers: Orphanet 498497, Orphanet 93271, MedGen C3279792, MONDO:0013569, OMIM 614091.
Cranioectodermal dysplasia 2 (CED2). Identifiers: Orphanet 1515, MedGen C3150874, MONDO:0013323, OMIM 613610.

Allele frequency attached by ClinVar (database versions not stated): gnomAD 0.01234 and 0.01323; 1000 Genomes Project 0.01318; TOPMed 0.01373; 1000 Genomes Project 30x 0.01655.

Submissions (2):

Illumina Laboratory Services, Illumina
Classification: Benign for Cranioectodermal dysplasia 2. Last evaluated: 2018-01-13. Review status: criteria provided, single submitter. Criteria: ICSL Variant Classification Criteria 13 December 2019. Collection method: clinical testing. Allele origin: germline.
Comment: This variant was observed in the ICSL laboratory as part of a predisposition screen in an ostensibly healthy population. It had not been previously curated by ICSL or reported in the Human Gene Mutation Database (HGMD: prior to June 1st, 2018), and was therefore a candidate for classification through an automated scoring system. Utilizing variant allele frequency, disease prevalence and penetrance estimates, and inheritance mode, an automated score was calculated to assess if this variant is too frequent to cause the disease. Based on the score and internal cut-off values, a variant classified as benign is not then subjected to further curation. The score for this variant resulted in a classification of benign for this disease.

Illumina Laboratory Services, Illumina
Classification: Benign for Short-rib thoracic dysplasia 7 with or without polydactyly. Last evaluated: 2018-01-13. Review status: criteria provided, single submitter. Criteria: ICSL Variant Classification Criteria 13 December 2019. Collection method: clinical testing. Allele origin: germline.
Comment: the same text as in the submission from Illumina Laboratory Services, Illumina above.

NM_020779.4(WDR35):c.*553G>T

Gene: WDR35 (WD repeat domain 35; minus strand). Cytogenetic location: 2p24.1.
Variant type: single nucleotide variant.
Coding change: c.*553G>T on transcript NM_020779.4 (MANE Select); 553 bases downstream of the stop codon, G replaced by T.
Molecular consequence: 3 prime UTR variant.
Genome position (GRCh38, 1-based): chr2:19,913,005, C>A on the plus strand (G>T on the coding strand, the complement: WDR35 is on the minus strand). VCF-style: chr2-19913005-C-A. GRCh37 (hg19) VCF-style: chr2-20112766-C-A.
Other names: c.*553G>T (NM_001006657.2).
Identifiers: ClinVar variation 333363 (VCV000333363.5), dbSNP rs79153401, ClinGen allele CA10613694.